The following is an entry in ClinVar:

NM_030665.4(RAI1):c.1404C>T (p.Leu468=)

Gene: RAI1 (retinoic acid induced 1; plus strand). Cytogenetic location: 17p11.2.
Variant type: single nucleotide variant.
Coding change: c.1404C>T on transcript NM_030665.4 (MANE Select); coding-DNA position 1404, C replaced by T.
Protein change: p.Leu468=; no amino-acid change (leucine 468 retained).
Molecular consequence: synonymous variant.
Genome position (GRCh38, 1-based): chr17:17,794,352, C>T. VCF-style: chr17-17794352-C-T. GRCh37 (hg19) VCF-style: chr17-17697666-C-T.
Identifiers: ClinVar variation 3719874 (VCV003719874.3).

ClinVar aggregate classification (germline): Likely benign. Review status: criteria provided, multiple submitters, no conflicts (2 of 4 stars). 2 submissions from 2 submitters: Likely benign (2). Last evaluated 2025-06-03.

gnomAD v4.1: 22 of 1,612,856 alleles (0.0014%); highest among the groups gnomAD compares: Middle Eastern, 0.016%; no homozygotes.

Submissions (2):

Labcorp Genetics (formerly Invitae), Labcorp
Classification: Likely benign. Last evaluated: 2025-06-03. Review status: criteria provided, single submitter. Criteria: Invitae Variant Classification Sherloc (09022015). Collection method: clinical testing. Allele origin: germline.

Women's Health and Genetics/Laboratory Corporation of America, LabCorp
Classification: Likely benign. Last evaluated: 2025-03-19. Review status: criteria provided, single submitter. Criteria: LabCorp Variant Classification Summary - May 2015. Collection method: clinical testing. Allele origin: germline.
Comment: Variant summary: RAI1 c.1404C>T results in a synonymous change. Consensus agreement among computation tools predict no significant impact on normal splicing. However, these predictions have yet to be confirmed by functional studies. The variant allele was found at a frequency of 8e-06 in 250378 control chromosomes. The available data on variant occurrences in the general population are insufficient to allow any conclusion about variant significance. To our knowledge, no occurrence of c.1404C>T in individuals affected with Smith-Magenis Syndrome and no experimental evidence demonstrating its impact on protein function have been reported. ClinVar contains an entry for this variant (Variation ID: 3719874). Based on the evidence outlined above, the variant was classified as likely benign.